The following is an entry in ClinVar:

NM_001204.7(BMPR2):c.1513_1514insAA (p.Met505fs)

Gene: BMPR2 (bone morphogenetic protein receptor type 2; plus strand). Cytogenetic location: 2q33.2.
Variant type: Insertion.
Coding change: c.1513_1514insAA on transcript NM_001204.7 (MANE Select); coding-DNA positions 1513 to 1514, AA inserted.
Protein change: p.Met505fs; shifts the reading frame from methionine 505.
Molecular consequence: frameshift variant.
Genome position: GRCh38 VCF-style: chr2-202552814-T-TAA. GRCh37 (hg19) VCF-style: chr2-203417537-T-TAA.
Other names: short protein forms M505fs.
Identifiers: ClinVar variation 3717470 (VCV003717470.2).

ClinVar aggregate classification (germline): Pathogenic (1 of 4 stars; one submission).

Conditions:
Primary pulmonary hypertension. Also called: Idiopathic pulmonary hypertension. Identifiers: MedGen C0152171.

Submission:

Labcorp Genetics (formerly Invitae), Labcorp
Classification: Pathogenic for Primary pulmonary hypertension. Last evaluated: 2024-09-16. Review status: criteria provided, single submitter. Criteria: Invitae Variant Classification Sherloc (09022015). Collection method: clinical testing. Allele origin: germline.
Comment: This sequence change creates a premature translational stop signal (p.Met505Lysfs*2) in the BMPR2 gene. It is expected to result in an absent or disrupted protein product. Loss-of-function variants in BMPR2 are known to be pathogenic (PMID: 16429395). This variant is not present in population databases (gnomAD no frequency). This variant has not been reported in the literature in individuals affected with BMPR2-related conditions. For these reasons, this variant has been classified as Pathogenic.

Literature cited by the submitters: PubMed 16429395.